The following is an entry in ClinVar:

ClinVar aggregate classification (germline): Pathogenic (1 of 4 stars; one submission).

Submission:

GeneDx
Classification: Pathogenic. Last evaluated: 2023-03-11. Review status: criteria provided, single submitter. Criteria: GeneDx Variant Classification Process June 2021. Collection method: clinical testing. Allele origin: germline. Affected: yes.
Comment: Frameshift variant predicted to result in protein truncation or nonsense mediated decay in a gene for which loss of function is a known mechanism of disease; Not observed at significant frequency in large population cohorts (gnomAD); Has not been previously published as pathogenic or benign to our knowledge

NM_006846.4(SPINK5):c.941_956del (p.Glu314fs)

Gene: SPINK5 (serine peptidase inhibitor Kazal type 5; plus strand). Cytogenetic location: 5q32.
Variant type: Deletion.
Coding change: c.941_956del on transcript NM_006846.4 (MANE Select); coding-DNA positions 941 to 956, 16 bases deleted (AAAATGACCCTATTCG).
Protein change: p.Glu314fs; shifts the reading frame from glutamic acid 314.
Molecular consequence: frameshift variant.
Genome position (GRCh38, 1-based): chr5:148,097,925-148,097,940, AAAATGACCCTATTCG deleted; deleting any 16 consecutive bases within chr5:148,097,924-148,097,940 gives the same sequence; the c. name uses the placement nearest the transcript's 3' end. VCF-style (leftmost placement, unchanged base first): chr5-148097923-AGAAAATGACCCTATTC-A. GRCh37 (hg19) VCF-style: chr5-147477486-AGAAAATGACCCTATTC-A.
Other names: c.941_956del, p.Glu314fs (NM_001127698.2, NM_001127699.2); c.941_956del16, p.Glu314Valfs (NM_006846.3); short protein forms E314fs.
Identifiers: ClinVar variation 2579630 (VCV002579630.1), dbSNP rs2531717601, ClinGen allele CA2580617991.
Genomic context (GRCh38, chr5:148,097,923, plus strand): 5'-TCAGAAACTCTGCAGTCAATATCAAAATCAGGCAAAGAATGGAATACTTTTCTGTACCAG[AGAAAATGACCCTATTC>A]GTGGTCCAGATGGGAAAATGCATGGCAACTTGTGTTCCATGTGTCAAGCCTACTTGTGAG-3'